The following is an entry in ClinVar:

ClinVar aggregate classification (germline): Likely benign (1 of 4 stars; one submission).

Allele frequency attached by ClinVar (database versions not stated): 1000 Genomes Project 0.00060; 1000 Genomes Project 30x 0.00062; ExAC 0.00086; TOPMed 0.00106; gnomAD 0.00117; gnomAD exomes 0.00150; ESP Exome Variant Server 0.00192.
gnomAD v4.1: 2,304 of 1,567,142 alleles (0.15%); highest among the groups gnomAD compares: Non-Finnish European, 0.18%; 6 homozygotes.

Submission:

CeGaT Center for Human Genetics Tuebingen
Classification: Likely benign. Last evaluated: 2022-07-01. Review status: criteria provided, single submitter. Criteria: CeGaT Center For Human Genetics Tuebingen Variant Classification Criteria Version 2. Collection method: clinical testing. Allele origin: germline. Affected: yes. Observed: 1 variant allele.
Comment: PPP1R12C: BP4, BP7

NM_017607.4(PPP1R12C):c.696C>T (p.His232=)

Gene: PPP1R12C (protein phosphatase 1 regulatory subunit 12C; minus strand). Cytogenetic location: 19q13.42.
Variant type: single nucleotide variant.
Coding change: c.696C>T on transcript NM_017607.4 (MANE Select); coding-DNA position 696, C replaced by T.
Protein change: p.His232=; no amino-acid change (histidine 232 retained).
Molecular consequence: synonymous variant.
Genome position (GRCh38, 1-based): chr19:55,103,444, G>A on the plus strand (C>T on the coding strand, the complement: PPP1R12C is on the minus strand). VCF-style: chr19-55103444-G-A. GRCh37 (hg19) VCF-style: chr19-55614812-G-A.
Other names: c.696C>T, p.His232= (NM_001271618.2).
Identifiers: ClinVar variation 2650510 (VCV002650510.24), dbSNP rs34297590, ClinGen allele CA9667052.